The following is an entry in ClinVar:

ClinVar aggregate classification (germline): Likely pathogenic (1 of 4 stars; one submission).

Conditions:
Niemann-Pick disease, type C1. Also called: NIEMANN-PICK DISEASE, VARIANT TYPE C1; NEUROVISCERAL STORAGE DISEASE WITH VERTICAL SUPRANUCLEAR OPHTHALMOPLEGIA; NIEMANN-PICK DISEASE WITH CHOLESTEROL ESTERIFICATION BLOCK; NIEMANN-PICK DISEASE WITHOUT SPHINGOMYELINASE DEFICIENCY; NIEMANN-PICK DISEASE, CHRONIC NEURONOPATHIC FORM. Identifiers: Orphanet 646, MedGen C3179455, MONDO:0009757, OMIM 257220.

Allele frequency attached by ClinVar (database versions not stated): gnomAD exomes below 0.00001.
gnomAD v4.1: 2 of 1,613,024 alleles (0.00012%); highest among the groups gnomAD compares: Non-Finnish European, 0.00017%; no homozygotes.

Submission:

Labcorp Genetics (formerly Invitae), Labcorp
Classification: Likely pathogenic for Niemann-Pick disease, type C1. Last evaluated: 2022-02-28. Review status: criteria provided, single submitter. Criteria: Invitae Variant Classification Sherloc (09022015). Collection method: clinical testing. Allele origin: germline.
Comment: In summary, the currently available evidence indicates that the variant is pathogenic, but additional data are needed to prove that conclusively. Therefore, this variant has been classified as Likely Pathogenic. Algorithms developed to predict the effect of sequence changes on RNA splicing suggest that this variant may disrupt the consensus splice site. This variant has not been reported in the literature in individuals affected with NPC1-related conditions. This variant is not present in population databases (gnomAD no frequency). This sequence change affects a donor splice site in intron 4 of the NPC1 gene. It is expected to disrupt RNA splicing. Variants that disrupt the donor or acceptor splice site typically lead to a loss of protein function (PMID: 16199547), and loss-of-function variants in NPC1 are known to be pathogenic (PMID: 9211850).

Literature cited by the submitters: PubMed 16199547; PubMed 9211850.

NM_000271.5(NPC1):c.463+1G>A

Gene: NPC1 (NPC intracellular cholesterol transporter 1; minus strand). Cytogenetic location: 18q11.2.
Variant type: single nucleotide variant.
Coding change: c.463+1G>A on transcript NM_000271.5 (MANE Select); the canonical splice donor site of the intron after coding-DNA position 463, G replaced by A.
Molecular consequence: splice donor variant.
Genome position (GRCh38, 1-based): chr18:23,568,822, C>T on the plus strand (G>A on the coding strand, the complement: NPC1 is on the minus strand). VCF-style: chr18-23568822-C-T. GRCh37 (hg19) VCF-style: chr18-21148786-C-T.
Identifiers: ClinVar variation 2099325 (VCV002099325.4), dbSNP rs2511340604, ClinGen allele CA401784649.